The following is an entry in ClinVar:

ClinVar aggregate classification (germline): Uncertain significance (1 of 4 stars; one submission).

Conditions:
Primary hyperoxaluria, type I (HP1). Also called: GLYCOLIC ACIDURIA; OXALOSIS I; HEPATIC AGT DEFICIENCY; Primary hyperoxaluria type 1. Identifiers: Orphanet 416, Orphanet 93598, MedGen C0268164, MONDO:0009823, OMIM 259900. Disease mechanism: loss of function.

Submission:

3billion
Classification: Uncertain significance for Primary hyperoxaluria, type I. Last evaluated: 2025-09-19. Review status: criteria provided, single submitter. Criteria: ACMG Guidelines, 2015. Collection method: clinical testing. Allele origin: germline. Affected: yes.
Comment: The variant is not observed in the gnomAD v4.1.0 dataset. Predicted Consequence/Location: Missense variant In silico tool predictions suggest damaging effect of the variant on gene or gene product [3Cnet: 0.98 (> 0.75, sensitivity 0.96 and precision 0.92)]. Therefore, this variant is classified as VUS according to the recommendation of ACMG/AMP guideline.

NM_000030.3(AGXT):c.1060T>A (p.Ser354Thr)

Gene: AGXT (alanine--glyoxylate aminotransferase; plus strand). Cytogenetic location: 2q37.3.
Variant type: single nucleotide variant.
Coding change: c.1060T>A on transcript NM_000030.3 (MANE Select); coding-DNA position 1060, T replaced by A.
Protein change: p.Ser354Thr; replaces serine 354 with threonine.
Molecular consequence: missense variant.
Genome position (GRCh38, 1-based): chr2:240,878,139, T>A. VCF-style: chr2-240878139-T-A. GRCh37 (hg19) VCF-style: chr2-241817556-T-A.
Other names: short protein forms S354T.
Identifiers: ClinVar variation 4854890 (VCV004854890.1).
Genomic context (GRCh38, chr2:240,878,139, plus strand): 5'-GACATCGTCAGCTACGTCATAGACCACTTCGACATTGAGATCATGGGTGGCCTTGGGCCC[T>A]CCACGGGGAAGGTGAGAGGGAGCGCCTCGAGGGCCTTTTGCAGAAACCAAACCCGCCACC-3'
Protein context (NP_000021.1, residues 344-364): DIEIMGGLGP[Ser354Thr]TGKVLRIGLL